The following is an entry in ClinVar:

NM_000124.4(ERCC6):c.1840G>A (p.Val614Ile)

Gene: ERCC6 (ERCC excision repair 6, chromatin remodeling factor; minus strand). Cytogenetic location: 10q11.23.
Variant type: single nucleotide variant.
Coding change: c.1840G>A on transcript NM_000124.4 (MANE Select); coding-DNA position 1840, G replaced by A.
Protein change: p.Val614Ile; replaces valine 614 with isoleucine.
Molecular consequence: missense variant.
Genome position (GRCh38, 1-based): chr10:49,483,498, C>T on the plus strand (G>A on the coding strand, the complement: ERCC6 is on the minus strand). VCF-style: chr10-49483498-C-T. GRCh37 (hg19) VCF-style: chr10-50691544-C-T.
Other names: c.1840G>A, p.Val614Ile (NM_001346440.2); short protein forms V614I.
Identifiers: ClinVar variation 1422682 (VCV001422682.3), dbSNP rs1851018769, ClinGen allele CA376725250.

ClinVar aggregate classification (germline): Uncertain significance (1 of 4 stars; one submission).

Allele frequency attached by ClinVar (database versions not stated): gnomAD exomes below 0.00001; gnomAD 0.00001.
gnomAD v4.1: 2 of 1,613,994 alleles (0.00012%); highest among the groups gnomAD compares: South Asian, 0.0011%; no homozygotes.

Submission:

Labcorp Genetics (formerly Invitae), Labcorp
Classification: Uncertain significance. Last evaluated: 2021-11-03. Review status: criteria provided, single submitter. Criteria: Invitae Variant Classification Sherloc (09022015). Collection method: clinical testing. Allele origin: germline.
Comment: This sequence change replaces valine, which is neutral and non-polar, with isoleucine, which is neutral and non-polar, at codon 614 of the ERCC6 protein (p.Val614Ile). This variant is not present in population databases (gnomAD no frequency). This variant has not been reported in the literature in individuals affected with ERCC6-related conditions. Advanced modeling of protein sequence and biophysical properties (such as structural, functional, and spatial information, amino acid conservation, physicochemical variation, residue mobility, and thermodynamic stability) performed at Invitae indicates that this missense variant is expected to disrupt ERCC6 protein function. In summary, the available evidence is currently insufficient to determine the role of this variant in disease. Therefore, it has been classified as a Variant of Uncertain Significance.